The following is an entry in ClinVar:

ClinVar aggregate classification (germline): Uncertain significance (1 of 4 stars; one submission).

gnomAD v4.1: 3 of 1,611,146 alleles (0.00019%); highest among the groups gnomAD compares: Non-Finnish European, 0.00025%; no homozygotes.

Submission:

Labcorp Genetics (formerly Invitae), Labcorp
Classification: Uncertain significance. Last evaluated: 2024-06-05. Review status: criteria provided, single submitter. Criteria: Invitae Variant Classification Sherloc (09022015). Collection method: clinical testing. Allele origin: germline.
Comment: This sequence change replaces glutamic acid, which is acidic and polar, with aspartic acid, which is acidic and polar, at codon 551 of the TAOK2 protein (p.Glu551Asp). This variant is not present in population databases (gnomAD no frequency). This variant has not been reported in the literature in individuals affected with TAOK2-related conditions. An algorithm developed to predict the effect of missense changes on protein structure and function (PolyPhen-2) suggests that this variant is likely to be tolerated. In summary, the available evidence is currently insufficient to determine the role of this variant in disease. Therefore, it has been classified as a Variant of Uncertain Significance.

NM_016151.4(TAOK2):c.1653G>C (p.Glu551Asp)

Gene: TAOK2 (TAO kinase 2; plus strand). Cytogenetic location: 16p11.2.
Variant type: single nucleotide variant.
Coding change: c.1653G>C on transcript NM_016151.4 (MANE Select); coding-DNA position 1653, G replaced by C.
Protein change: p.Glu551Asp; replaces glutamic acid 551 with aspartic acid.
Molecular consequence: missense variant.
Genome position (GRCh38, 1-based): chr16:29,985,443, G>C. VCF-style: chr16-29985443-G-C. GRCh37 (hg19) VCF-style: chr16-29996764-G-C.
Other names: c.1653G>C, p.Glu551Asp (NM_001252043.2, NM_004783.4); short protein forms E551D.
Identifiers: ClinVar variation 3609772 (VCV003609772.2).